The following is an entry in ClinVar:

NM_000051.4(ATM):c.2797T>G (p.Ser933Ala)

Gene: ATM (ATM serine/threonine kinase; plus strand). Cytogenetic location: 11q22.3.
Variant type: single nucleotide variant.
Coding change: c.2797T>G on transcript NM_000051.4 (MANE Select); coding-DNA position 2797, T replaced by G.
Protein change: p.Ser933Ala; replaces serine 933 with alanine.
Molecular consequence: missense variant.
Genome position (GRCh38, 1-based): chr11:108,268,568, T>G. VCF-style: chr11-108268568-T-G. GRCh37 (hg19) VCF-style: chr11-108139295-T-G.
Other names: c.2797T>G, p.Ser933Ala (NM_001351834.2); short protein forms S933A.
Identifiers: ClinVar variation 821693 (VCV000821693.4), dbSNP rs1060501698, ClinGen allele CA382545650.

ClinVar aggregate classification (germline): Uncertain significance (1 of 4 stars; one submission).

Conditions:
Hereditary cancer-predisposing syndrome. Also called: Tumor predisposition; Hereditary Cancer Syndrome; Neoplastic Syndromes, Hereditary; Hereditary neoplastic syndrome. Identifiers: Orphanet 140162, MedGen C0027672, MeSH D009386, MONDO:0015356.

Submission:

Ambry Genetics
Classification: Uncertain significance for Hereditary cancer-predisposing syndrome. Last evaluated: 2022-06-10. Review status: criteria provided, single submitter. Criteria: Ambry Variant Classification Scheme 2023. Collection method: clinical testing. Allele origin: germline.
Comment: The p.S933A variant (also known as c.2797T>G), located in coding exon 17 of the ATM gene, results from a T to G substitution at nucleotide position 2797. The serine at codon 933 is replaced by alanine, an amino acid with similar properties. This amino acid position is not well conserved in available vertebrate species. In addition, this alteration is predicted to be tolerated by in silico analysis. Since supporting evidence is limited at this time, the clinical significance of this alteration remains unclear.